The following is an entry in ClinVar:

NM_015311.3(OBSL1):c.3171C>T (p.Gly1057=)

Gene: OBSL1 (obscurin like cytoskeletal adaptor 1; minus strand). Cytogenetic location: 2q35.
Variant type: single nucleotide variant.
Coding change: c.3171C>T on transcript NM_015311.3 (MANE Select); coding-DNA position 3171, C replaced by T.
Protein change: p.Gly1057=; no amino-acid change (glycine 1057 retained).
Molecular consequence: synonymous variant.
Genome position (GRCh38, 1-based): chr2:219,559,280, G>A on the plus strand (C>T on the coding strand, the complement: OBSL1 is on the minus strand). VCF-style: chr2-219559280-G-A. GRCh37 (hg19) VCF-style: chr2-220424002-G-A.
Other names: c.3171C>T, p.Gly1057= (NM_001173431.2).
Identifiers: ClinVar variation 1421302 (VCV001421302.8), dbSNP rs765709164, ClinGen allele CA2130947.

ClinVar aggregate classification (germline): Uncertain significance. Review status: criteria provided, multiple submitters, no conflicts (2 of 4 stars). 2 submissions from 2 submitters: Uncertain significance (2). Last evaluated 2024-07-15.

Allele frequency attached by ClinVar (database versions not stated): ExAC 0.00001; gnomAD exomes 0.00002; gnomAD 0.00003; TOPMed 0.00004.
gnomAD v4.1: 34 of 1,613,258 alleles (0.0021%); highest among the groups gnomAD compares: Non-Finnish European, 0.0028%; no homozygotes.

Submissions (2):

GeneDx
Classification: Uncertain significance. Last evaluated: 2024-07-15. Review status: criteria provided, single submitter. Criteria: GeneDx Variant Classification Process June 2021. Collection method: clinical testing. Allele origin: germline. Affected: yes.
Comment: Has not been previously published as pathogenic or benign to our knowledge; In silico analysis supports a deleterious effect on splicing

Labcorp Genetics (formerly Invitae), Labcorp
Classification: Uncertain significance. Last evaluated: 2021-10-29. Review status: criteria provided, single submitter. Criteria: Invitae Variant Classification Sherloc (09022015). Collection method: clinical testing. Allele origin: germline.
Comment: In summary, the available evidence is currently insufficient to determine the role of this variant in disease. Therefore, it has been classified as a Variant of Uncertain Significance. Algorithms developed to predict the effect of sequence changes on RNA splicing suggest that this variant may create or strengthen a splice site. This variant has not been reported in the literature in individuals affected with OBSL1-related conditions. This variant is present in population databases (rs765709164, gnomAD 0.004%). This sequence change affects codon 1057 of the OBSL1 mRNA. It is a 'silent' change, meaning that it does not change the encoded amino acid sequence of the OBSL1 protein.